The following is an entry in ClinVar:

NM_000321.3(RB1):c.66A>G (p.Ala22=)

Gene: RB1 (RB transcriptional corepressor 1; plus strand). Cytogenetic location: 13q14.2.
Variant type: single nucleotide variant.
Coding change: c.66A>G on transcript NM_000321.3 (MANE Select); coding-DNA position 66, A replaced by G.
Protein change: p.Ala22=; no amino-acid change (alanine 22 retained).
Molecular consequence: synonymous variant.
Genome position (GRCh38, 1-based): chr13:48,303,978, A>G. VCF-style: chr13-48303978-A-G. GRCh37 (hg19) VCF-style: chr13-48878114-A-G.
Identifiers: ClinVar variation 416492 (VCV000416492.14), dbSNP rs1014225642, ClinGen allele CA16614283.

ClinVar aggregate classification (germline): Benign/Likely benign. Review status: criteria provided, multiple submitters, no conflicts (2 of 4 stars). 3 submissions from 3 submitters: Benign (1); Likely benign (2). Last evaluated 2026-06-23.

Conditions:
Hereditary cancer-predisposing syndrome. Also called: Hereditary Cancer Syndrome; Neoplastic Syndromes, Hereditary; Hereditary neoplastic syndrome; Tumor predisposition. Identifiers: Orphanet 140162, MedGen C0027672, MeSH D009386, MONDO:0015356.
Retinoblastoma (RB1). Also called: RETINOBLASTOMA, SOMATIC. Identifiers: Orphanet 790, MedGen C0035335, MeSH D012175, MONDO:0008380, OMIM 180200, HP:0009919. Disease mechanism: loss of function. Inheritance: Both sporadic and heritable forms are tested..

Allele frequency attached by ClinVar (database versions not stated): gnomAD exomes below 0.00001.
gnomAD v4.1: 2 of 1,501,686 alleles (0.00013%); highest among the groups gnomAD compares: Non-Finnish European, 0.00018%; no homozygotes.

Submissions (3):

Myriad Genetics, Inc.
Classification: Benign for Retinoblastoma. Last evaluated: 2026-06-23. Review status: criteria provided, single submitter. Criteria: Myriad Autosomal Dominant, Autosomal Recessive and X-Linked Classification Criteria (2023). Collection method: clinical testing. Allele origin: unknown.
Comment: This variant is considered benign. This variant is a silent/synonymous amino acid change and it is not expected to impact splicing.

Labcorp Genetics (formerly Invitae), Labcorp
Classification: Likely benign for Retinoblastoma. Last evaluated: 2024-07-17. Review status: criteria provided, single submitter. Criteria: Invitae Variant Classification Sherloc (09022015). Collection method: clinical testing. Allele origin: germline.

Ambry Genetics
Classification: Likely benign for Hereditary cancer-predisposing syndrome. Last evaluated: 2021-01-06. Review status: criteria provided, single submitter. Criteria: Ambry Variant Classification Scheme 2023. Collection method: clinical testing. Allele origin: germline.